The following is an entry in ClinVar:

ClinVar aggregate classification (germline): Uncertain significance (1 of 4 stars; one submission).

Conditions:
Charcot-Marie-Tooth disease axonal type 2C (HMSN2C). Also called: CHARCOT-MARIE-TOOTH DISEASE, AXONAL, AUTOSOMAL DOMINANT, TYPE 2C; Charcot-Marie-Tooth Neuropathy Type 2C; Charcot-Marie-Tooth Disease Type 2, TRPV4-Related (CMT2C). Identifiers: Orphanet 99937, MedGen C1853710, MONDO:0011633, OMIM 606071.

Submission:

Labcorp Genetics (formerly Invitae), Labcorp
Classification: Uncertain significance for Charcot-Marie-Tooth disease axonal type 2C. Last evaluated: 2023-10-03. Review status: criteria provided, single submitter. Criteria: Invitae Variant Classification Sherloc (09022015). Collection method: clinical testing. Allele origin: germline.
Comment: This sequence change affects an acceptor splice site in intron 10 of the TRPV4 gene. It is expected to disrupt RNA splicing. Variants that disrupt the donor or acceptor splice site typically lead to a loss of protein function (PMID: 16199547), however the current clinical and genetic evidence is not sufficient to establish whether loss-of-function variants in TRPV4 cause disease. This variant is not present in population databases (gnomAD no frequency). This variant has not been reported in the literature in individuals affected with TRPV4-related conditions. Algorithms developed to predict the effect of sequence changes on RNA splicing suggest that this variant may disrupt the consensus splice site. In summary, the available evidence is currently insufficient to determine the role of this variant in disease. Therefore, it has been classified as a Variant of Uncertain Significance.

Literature cited by the submitters: PubMed 16199547.

NM_021625.5(TRPV4):c.1659-1G>A

Gene: TRPV4 (transient receptor potential cation channel subfamily V member 4; minus strand). Cytogenetic location: 12q24.11.
Variant type: single nucleotide variant.
Coding change: c.1659-1G>A on transcript NM_021625.5 (MANE Select); the canonical splice acceptor site of the intron before coding-DNA position 1659, G replaced by A.
Molecular consequence: splice acceptor variant.
Genome position (GRCh38, 1-based): chr12:109,792,818, C>T on the plus strand (G>A on the coding strand, the complement: TRPV4 is on the minus strand). VCF-style: chr12-109792818-C-T. GRCh37 (hg19) VCF-style: chr12-110230623-C-T.
Other names: c.1338-1G>A (NM_001177433.1); c.1518-1G>A (NM_001177428.1); c.1479-1G>A (NM_147204.2); c.1557-1G>A (NM_001177431.1).
Identifiers: ClinVar variation 2696009 (VCV002696009.3), dbSNP rs2548727166, ClinGen allele CA386652743.